The following is an entry in ClinVar:

ClinVar aggregate classification (germline): Uncertain significance (1 of 4 stars; one submission).

Conditions:
Epileptic encephalopathy. Identifiers: MedGen C0543888, HP:0200134.

Allele frequency attached by ClinVar (database versions not stated): gnomAD 0.00001; gnomAD exomes 0.00001 and 0.00002; ExAC 0.00002; 1000 Genomes Project 30x 0.00016; 1000 Genomes Project 0.00020.
gnomAD v4.1: 34 of 1,613,430 alleles (0.0021%); highest among the groups gnomAD compares: South Asian, 0.016%; no homozygotes.

Submission:

Labcorp Genetics (formerly Invitae), Labcorp
Classification: Uncertain significance for Epileptic encephalopathy. Last evaluated: 2020-10-27. Review status: criteria provided, single submitter. Criteria: Invitae Variant Classification Sherloc (09022015). Collection method: clinical testing. Allele origin: germline.
Comment: In summary, the available evidence is currently insufficient to determine the role of this variant in disease. Therefore, it has been classified as a Variant of Uncertain Significance. Nucleotide substitutions within the consensus splice site are a relatively common cause of aberrant splicing (PMID: 17576681, 9536098). Algorithms developed to predict the effect of sequence changes on RNA splicing suggest that this variant is not likely to affect RNA splicing, but this prediction has not been confirmed by published transcriptional studies. This variant has not been reported in the literature in individuals with RYR3-related conditions. This variant is present in population databases (rs527855635, ExAC 0.01%). This sequence change falls in intron 53 of the RYR3 gene. It does not directly change the encoded amino acid sequence of the RYR3 protein. It affects a nucleotide within the consensus splice site of the intron.

Literature cited by the submitters: PubMed 17576681; PubMed 9536098.

NM_001036.6(RYR3):c.7990-3T>C

Gene: RYR3 (ryanodine receptor 3; plus strand). Cytogenetic location: 15q14.
Variant type: single nucleotide variant.
Coding change: c.7990-3T>C on transcript NM_001036.6 (MANE Select); 3 bases into the intron before coding-DNA position 7990, T replaced by C.
Molecular consequence: intron variant.
Genome position (GRCh38, 1-based): chr15:33,748,111, T>C. VCF-style: chr15-33748111-T-C. GRCh37 (hg19) VCF-style: chr15-34040312-T-C.
Other names: c.7990-3T>C (NM_001243996.4).
Identifiers: ClinVar variation 1061437 (VCV001061437.7), dbSNP rs527855635, ClinGen allele CA7460067.